The following is an entry in ClinVar:

ClinVar aggregate classification (germline): Uncertain significance (1 of 4 stars; one submission).

Submission:

Dasa
Classification: Uncertain significance. Last evaluated: 2025-06-21. Review status: criteria provided, single submitter. Criteria: DASA Assertion Criteria. Collection method: clinical testing. Allele origin: germline.
Comment: NM_000744.7(CHRNA4):c.490G>C (p.Asp164His) is a missense variant that results in the substitution of aspartic acid with histidine. This variant is absent from population databases. Computational prediction algorithms are consistent with a deleterious effect. The currently available literature and clinical evidence are not sufficient to establish a definitive association between this variant and the reported condition. Therefore, this variant is classified as a variant of uncertain significance.

NM_000744.7(CHRNA4):c.490G>C (p.Asp164His)

Gene: CHRNA4 (cholinergic receptor nicotinic alpha 4 subunit; minus strand). Cytogenetic location: 20q13.33.
Variant type: single nucleotide variant.
Coding change: c.490G>C on transcript NM_000744.7 (MANE Select); coding-DNA position 490, G replaced by C.
Protein change: p.Asp164His; replaces aspartic acid 164 with histidine.
Molecular consequence: missense variant. On other transcripts: 5 prime UTR variant (1), non-coding transcript variant (1).
Genome position (GRCh38, 1-based): chr20:63,350,921, C>G on the plus strand (G>C on the coding strand, the complement: CHRNA4 is on the minus strand). VCF-style: chr20-63350921-C-G. GRCh37 (hg19) VCF-style: chr20-61982273-C-G.
Other names: c.-39G>C (NM_001256573.2); short protein forms D164H.
Identifiers: ClinVar variation 4883690 (VCV004883690.2).